The following is an entry in ClinVar:

ClinVar aggregate classification (germline): Uncertain significance. Review status: criteria provided, multiple submitters, no conflicts (2 of 4 stars). 2 submissions from 2 submitters: Uncertain significance (2). Last evaluated 2023-04-08.

Conditions:
Familial adenomatous polyposis 1 (FAP1). Also called: FAMILIAL ADENOMATOUS POLYPOSIS 1, ATTENUATED; POLYPOSIS, ADENOMATOUS INTESTINAL. Identifiers: MedGen C2713442, MONDO:0021056, OMIM 175100. Disease mechanism: loss of function.
Hereditary cancer-predisposing syndrome. Also called: Tumor predisposition; Hereditary neoplastic syndrome; Neoplastic Syndromes, Hereditary; Hereditary Cancer Syndrome. Identifiers: Orphanet 140162, MedGen C0027672, MeSH D009386, MONDO:0015356.

Submissions (2):

Labcorp Genetics (formerly Invitae), Labcorp
Classification: Uncertain significance for Familial adenomatous polyposis 1. Last evaluated: 2023-04-08. Review status: criteria provided, single submitter. Criteria: Invitae Variant Classification Sherloc (09022015). Collection method: clinical testing. Allele origin: germline.
Comment: Advanced modeling of protein sequence and biophysical properties (such as structural, functional, and spatial information, amino acid conservation, physicochemical variation, residue mobility, and thermodynamic stability) performed at Invitae indicates that this missense variant is not expected to disrupt APC protein function. ClinVar contains an entry for this variant (Variation ID: 818954). This variant has not been reported in the literature in individuals affected with APC-related conditions. This variant is not present in population databases (gnomAD no frequency). This sequence change replaces histidine, which is basic and polar, with proline, which is neutral and non-polar, at codon 444 of the APC protein (p.His444Pro). In summary, the available evidence is currently insufficient to determine the role of this variant in disease. Therefore, it has been classified as a Variant of Uncertain Significance.

Ambry Genetics
Classification: Uncertain significance for Hereditary cancer-predisposing syndrome. Last evaluated: 2023-02-15. Review status: criteria provided, single submitter. Criteria: Ambry Variant Classification Scheme 2023. Collection method: clinical testing. Allele origin: germline.
Comment: The p.H444P variant (also known as c.1331A>C), located in coding exon 10 of the APC gene, results from an A to C substitution at nucleotide position 1331. The histidine at codon 444 is replaced by proline, an amino acid with similar properties. This amino acid position is highly conserved in available vertebrate species. In addition, in silico predictors for this gene do not accurately predict pathogenicity. Since supporting evidence is limited at this time, the clinical significance of this alteration remains unclear.

NM_000038.6(APC):c.1331A>C (p.His444Pro)

Gene: APC (APC regulator of Wnt signaling pathway; plus strand). Cytogenetic location: 5q22.2.
Variant type: single nucleotide variant.
Coding change: c.1331A>C on transcript NM_000038.6 (MANE Select); coding-DNA position 1331, A replaced by C.
Protein change: p.His444Pro; replaces histidine 444 with proline.
Molecular consequence: missense variant.
Genome position (GRCh38, 1-based): chr5:112,821,914, A>C. VCF-style: chr5-112821914-A-C. GRCh37 (hg19) VCF-style: chr5-112157611-A-C.
Other names: c.1331A>C, p.His444Pro (NM_001354895.2, NM_001354896.2, NM_001127510.3); c.1256A>C, p.His419Pro (NM_001354898.2); c.1247A>C, p.His416Pro (NM_001354899.2); c.1058A>C, p.His353Pro (NM_001354902.2); c.1028A>C, p.His343Pro (NM_001354903.2); c.1361A>C, p.His454Pro (NM_001354897.2); c.1154A>C, p.His385Pro (NM_001354900.2, NM_001354901.2); c.953A>C, p.His318Pro (NM_001354904.2); and 3 more; short protein forms H161P, H343P, H353P, H444P, H454P, H318P, H385P, H416P.
Identifiers: ClinVar variation 818954 (VCV000818954.8), dbSNP rs371065509, ClinGen allele CA16024220.